The following is an entry in ClinVar:

ClinVar aggregate classification (germline): Uncertain significance (1 of 4 stars; one submission).

Conditions:
Hereditary cancer-predisposing syndrome. Also called: Neoplastic Syndromes, Hereditary; Tumor predisposition; Hereditary neoplastic syndrome; Hereditary Cancer Syndrome. Identifiers: Orphanet 140162, MedGen C0027672, MeSH D009386, MONDO:0015356.

Submission:

Ambry Genetics
Classification: Uncertain significance for Hereditary cancer-predisposing syndrome. Last evaluated: 2023-03-11. Review status: criteria provided, single submitter. Criteria: Ambry Variant Classification Scheme 2023. Collection method: clinical testing. Allele origin: germline.
Comment: The p.W841C variant (also known as c.2523G>T), located in coding exon 15 of the PMS2 gene, results from a G to T substitution at nucleotide position 2523. The tryptophan at codon 841 is replaced by cysteine, an amino acid with highly dissimilar properties. This amino acid position is conserved. In addition, this alteration is predicted to be deleterious by in silico analysis. Since supporting evidence is limited at this time, the clinical significance of this alteration remains unclear.

NM_000535.7(PMS2):c.2523G>T (p.Trp841Cys)

Gene: PMS2 (PMS1 homolog 2, mismatch repair system component; minus strand). Cytogenetic location: 7p22.1.
Variant type: single nucleotide variant.
Coding change: c.2523G>T on transcript NM_000535.7 (MANE Select); coding-DNA position 2523, G replaced by T.
Protein change: p.Trp841Cys; replaces tryptophan 841 with cysteine.
Molecular consequence: missense variant. On other transcripts: non-coding transcript variant (1).
Genome position (GRCh38, 1-based): chr7:5,973,465, C>A on the plus strand (G>T on the coding strand, the complement: PMS2 is on the minus strand). VCF-style: chr7-5973465-C-A. GRCh37 (hg19) VCF-style: chr7-6013096-C-A.
Other names: c.2214G>T, p.Trp738Cys (NM_001406878.1, NM_001406879.1, NM_001406880.1 and 4 more transcripts); c.2205G>T, p.Trp735Cys (NM_001406883.1, NM_001322007.2, NM_001322008.2); c.2199G>T, p.Trp733Cys (NM_001406884.1); c.2151G>T, p.Trp717Cys (NM_001406888.1, NM_001406887.1, NM_001322009.2); c.2187G>T, p.Trp729Cys (NM_001406885.1); c.2118G>T, p.Trp706Cys (NM_001406889.1, NM_001406890.1, NM_001018040.1 and 12 more transcripts); c.2157G>T, p.Trp719Cys (NM_001406886.1); c.2367G>T, p.Trp789Cys (NM_001322006.2); and 20 more; short protein forms W440C, W602C, W650C, W706C, W733C, W735C, W746C, W775C.
Identifiers: ClinVar variation 2451632 (VCV002451632.2), dbSNP rs587780057, ClinGen allele CA366734872.